The following is an entry in ClinVar:

ClinVar aggregate classification (germline): Benign/Likely benign. Review status: criteria provided, multiple submitters, no conflicts (2 of 4 stars). 2 submissions from 2 submitters: Benign (1); Likely benign (1). Last evaluated 2024-12-12.

Conditions:
Hereditary cancer-predisposing syndrome. Also called: Neoplastic Syndromes, Hereditary; Tumor predisposition; Hereditary Cancer Syndrome; Hereditary neoplastic syndrome. Identifiers: Orphanet 140162, MedGen C0027672, MeSH D009386, MONDO:0015356.
Papillary renal cell carcinoma type 1 (RCCP1). Also called: Renal adenocarcinoma; Renal cell carcinoma 1; Renal cell carcinoma, somatic; RENAL CELL CARCINOMA, PAPILLARY, 1, SOMATIC. Identifiers: Orphanet 47044, MedGen C1336839, OMIM 605074, HP:0011797.

gnomAD v4.1: 1 of 1,614,044 alleles (0.000062%); highest among the groups gnomAD compares: Non-Finnish European, 0.000085%; no homozygotes.

Submissions (2):

Ambry Genetics
Classification: Likely benign for Hereditary cancer-predisposing syndrome. Last evaluated: 2024-12-12. Review status: criteria provided, single submitter. Criteria: Ambry Variant Classification Scheme 2023. Collection method: clinical testing. Allele origin: germline.

Myriad Genetics, Inc.
Classification: Benign for Papillary renal cell carcinoma type 1. Last evaluated: 2024-11-06. Review status: criteria provided, single submitter. Criteria: Myriad Autosomal Dominant, Autosomal Recessive and X-Linked Classification Criteria (2023). Collection method: clinical testing. Allele origin: unknown.
Comment: This variant is considered benign. This variant is a silent/synonymous amino acid change and it is not expected to impact splicing.

NM_000245.4(MET):c.273A>G (p.Glu91=)

Gene: MET (MET proto-oncogene, receptor tyrosine kinase; plus strand). Cytogenetic location: 7q31.2.
Variant type: single nucleotide variant.
Coding change: c.273A>G on transcript NM_000245.4 (MANE Select); coding-DNA position 273, A replaced by G.
Protein change: p.Glu91=; no amino-acid change (glutamic acid 91 retained).
Molecular consequence: synonymous variant. On other transcripts: intron variant (1).
Genome position (GRCh38, 1-based): chr7:116,699,357, A>G. VCF-style: chr7-116699357-A-G. GRCh37 (hg19) VCF-style: chr7-116339411-A-G.
Other names: c.273A>G, p.Glu91= (NM_001127500.3, NM_001324401.3); c.-91+26780A>G (NM_001324402.2).
Identifiers: ClinVar variation 3773102 (VCV003773102.2).
Genomic context (GRCh38, chr7:116,699,357, plus strand): 5'-TGTTTTAAATGAGGAAGACCTTCAGAAGGTTGCTGAGTACAAGACTGGGCCTGTGCTGGA[A>G]CACCCAGATTGTTTCCCATGTCAGGACTGCAGCAGCAAAGCCAATTTATCAGGAGGTGTT-3'
Protein context (NP_000236.2, residues 81-101): VAEYKTGPVL[Glu91=]HPDCFPCQDC